The following is an entry in ClinVar:

NM_015261.3(NCAPD3):c.4388+1G>A

Gene: NCAPD3 (non-SMC condensin II complex subunit D3; minus strand). Cytogenetic location: 11q25.
Variant type: single nucleotide variant.
Coding change: c.4388+1G>A on transcript NM_015261.3 (MANE Select); the canonical splice donor site of the intron after coding-DNA position 4388, G replaced by A.
Molecular consequence: splice donor variant. On other transcripts: intron variant (1).
Genome position (GRCh38, 1-based): chr11:134,153,139, C>T on the plus strand (G>A on the coding strand, the complement: NCAPD3 is on the minus strand). VCF-style: chr11-134153139-C-T. GRCh37 (hg19) VCF-style: chr11-134023034-C-T.
Other names: c.3974+1G>A (NM_001372070.1, NM_001372069.1); c.4327+150G>A (NM_001372065.1); c.4388+1G>A (NM_001372068.1).
Identifiers: ClinVar variation 3064698 (VCV003064698.2), dbSNP rs1164631127, ClinGen allele CA383509289.

ClinVar aggregate classification (germline): Likely pathogenic. Review status: criteria provided, multiple submitters, no conflicts (2 of 4 stars). 2 submissions from 2 submitters: Likely pathogenic (2). Last evaluated 2025-03-21.

Conditions:
Microcephaly 22, primary, autosomal recessive. Identifiers: MedGen C4693834, MONDO:0054805, OMIM 617984.

Allele frequency attached by ClinVar (database versions not stated): TOPMed 0.00001.
gnomAD v4.1: 6 of 1,613,710 alleles (0.00037%); highest among the groups gnomAD compares: Non-Finnish European, 0.00051%; no homozygotes.

Submissions (2):

First Genomix Gene Laboratory, Genetic Diagnostics Department
Classification: Likely pathogenic for Microcephaly 22, primary, autosomal recessive. Last evaluated: 2025-03-21. Review status: criteria provided, single submitter. Criteria: ACMG Guidelines, 2015. Collection method: clinical testing. Allele origin: germline. Inheritance: Autosomal recessive inheritance. Affected: no. Observed: 1 variant allele.

Genomic Medicine Center of Excellence, King Faisal Specialist Hospital and Research Centre
Classification: Likely pathogenic for Microcephaly 22, primary, autosomal recessive. Last evaluated: 2024-03-29. Review status: criteria provided, single submitter. Criteria: ACMG Guidelines, 2015. Collection method: clinical testing. Allele origin: germline.